The following is an entry in ClinVar:

ClinVar aggregate classification (germline): Uncertain significance (1 of 4 stars; one submission).

Submission:

GeneDx
Classification: Uncertain significance. Last evaluated: 2019-08-22. Review status: criteria provided, single submitter. Criteria: GeneDx Variant Classification Process June 2021. Collection method: clinical testing. Allele origin: germline. Affected: yes.
Comment: Not observed in large population cohorts (Lek et al., 2016); In silico analysis, which includes protein predictors and evolutionary conservation, supports a deleterious effect; Has not been previously published as pathogenic or benign to our knowledge

NM_001330078.2(NRXN1):c.3680A>C (p.Gln1227Pro)

Gene: NRXN1 (neurexin 1; minus strand). Cytogenetic location: 2p16.3.
Variant type: single nucleotide variant.
Coding change: c.3680A>C on transcript NM_001330078.2 (MANE Select); coding-DNA position 3680, A replaced by C.
Protein change: p.Gln1227Pro; replaces glutamine 1227 with proline.
Molecular consequence: missense variant.
Genome position (GRCh38, 1-based): chr2:50,091,361, T>G on the plus strand (A>C on the coding strand, the complement: NRXN1 is on the minus strand). VCF-style: chr2-50091361-T-G. GRCh37 (hg19) VCF-style: chr2-50318499-T-G.
Other names: c.3800A>C, p.Gln1267Pro (NM_001135659.3); c.3656A>C, p.Gln1219Pro (NM_001330077.2, NM_001330082.2); c.3614A>C, p.Gln1205Pro (NM_001330083.2, NM_001330084.2); c.3653A>C, p.Gln1218Pro (NM_001330085.2); c.3680A>C, p.Gln1227Pro (NM_001330086.2, NM_004801.6); c.3569A>C, p.Gln1190Pro (NM_001330087.2, NM_001330096.2); c.3599A>C, p.Gln1200Pro (NM_001330088.2); c.575A>C, p.Gln192Pro (NM_001330091.2, NM_001330092.2, NM_001330097.2 and 1 more transcripts); and 3 more; short protein forms Q1190P, Q1200P, Q1205P, Q1210P, Q1218P, Q1219P, Q1223P, Q1226P.
Identifiers: ClinVar variation 1318655 (VCV001318655.2), dbSNP rs1558858613, ClinGen allele CA346819021.